The following is an entry in ClinVar:

NM_000051.4(ATM):c.8755G>A (p.Gly2919Ser)

Genes: ATM (ATM serine/threonine kinase; plus strand), C11orf65 (chromosome 11 open reading frame 65; minus strand). Cytogenetic location: 11q22.3.
Variant type: single nucleotide variant.
Coding change: c.8755G>A on transcript NM_000051.4 (MANE Select); coding-DNA position 8755, G replaced by A.
Protein change: p.Gly2919Ser; replaces glycine 2919 with serine.
Molecular consequence: missense variant. On other transcripts: intron variant (2).
Genome position (GRCh38, 1-based): chr11:108,353,849, G>A. VCF-style: chr11-108353849-G-A. GRCh37 (hg19) VCF-style: chr11-108224576-G-A.
Other names: c.8755G>A, p.Gly2919Ser (NM_001351834.2); c.640+32071C>T (NM_001330368.2); c.695-18557C>T (NM_001351110.2); short protein forms G2919S.
Identifiers: ClinVar variation 1764552 (VCV001764552.2), dbSNP rs746746663, ClinGen allele CA6266434.

ClinVar aggregate classification (germline): Uncertain significance (1 of 4 stars; one submission).

Conditions:
Hereditary cancer-predisposing syndrome. Also called: Hereditary neoplastic syndrome; Neoplastic Syndromes, Hereditary; Tumor predisposition; Hereditary Cancer Syndrome. Identifiers: Orphanet 140162, MedGen C0027672, MeSH D009386, MONDO:0015356.

Allele frequency attached by ClinVar (database versions not stated): gnomAD exomes below 0.00001; ExAC 0.00001; gnomAD 0.00001.
gnomAD v4.1: 2 of 1,613,764 alleles (0.00012%); highest among the groups gnomAD compares: Non-Finnish European, 0.00017%; no homozygotes.

Submission:

Ambry Genetics
Classification: Uncertain significance for Hereditary cancer-predisposing syndrome. Last evaluated: 2020-04-13. Review status: criteria provided, single submitter. Criteria: Ambry Variant Classification Scheme 2023. Collection method: clinical testing. Allele origin: germline.
Comment: The p.G2919S variant (also known as c.8755G>A), located in coding exon 59 of the ATM gene, results from a G to A substitution at nucleotide position 8755. The glycine at codon 2919 is replaced by serine, an amino acid with similar properties. This amino acid position is highly conserved in available vertebrate species. In addition, this alteration is predicted to be deleterious by in silico analysis. Since supporting evidence is limited at this time, the clinical significance of this alteration remains unclear.